The following is an entry in ClinVar:

NM_152415.3(VPS37A):c.1157C>T (p.Ala386Val)

Gene: VPS37A (VPS37A subunit of ESCRT-I; plus strand). Cytogenetic location: 8p22.
Variant type: single nucleotide variant.
Coding change: c.1157C>T on transcript NM_152415.3 (MANE Select); coding-DNA position 1157, C replaced by T.
Protein change: p.Ala386Val; replaces alanine 386 with valine.
Molecular consequence: missense variant.
Genome position (GRCh38, 1-based): chr8:17,286,390, C>T. VCF-style: chr8-17286390-C-T. GRCh37 (hg19) VCF-style: chr8-17143899-C-T.
Other names: NC_000008.10:g.17143899C>T; c.1082C>T, p.Ala361Val (NM_001145152.2); c.1139C>T, p.Ala380Val (NM_001363167.1); c.887C>T, p.Ala296Val (NM_001363168.1, NM_001363169.1); c.869C>T, p.Ala290Val (NM_001363170.1, NM_001363171.1, NM_001363172.2); c.1157C>T, p.Ala386Val (NM_001363173.2); short protein forms A290V, A296V, A361V, A380V, A386V.
Identifiers: ClinVar variation 1806028 (VCV001806028.4), dbSNP rs755402438, ClinGen allele CA4643635.
Genomic context (GRCh38, chr8:17,286,390, plus strand): 5'-AAAAATTTATTTTCTAGATTTGCCACTGTAGAAGAGCCAAGGAAGAGAAACTTCAGCAGG[C>T]GATAGCAATGCACAGCCAATTTCATGCTCCACTATAGGTAAATTGTATTTCAAGTTTGAG-3'
Protein context (NP_689628.2, residues 376-396): RRAKEEKLQQ[Ala386Val]IAMHSQFHAP

ClinVar aggregate classification (germline): Conflicting classifications of pathogenicity. Review status: criteria provided, conflicting classifications (1 of 4 stars). 3 submissions from 3 submitters: Uncertain significance (2); Likely benign (1). Last evaluated 2025-11-06.

Conditions:
Hereditary spastic paraplegia 53. Also called: Spastic paraplegia 53, autosomal recessive. Identifiers: Orphanet 319199, MedGen C3539494, MONDO:0013962, OMIM 614898.

Allele frequency attached by ClinVar (database versions not stated): ExAC 0.00003; gnomAD 0.00007; TOPMed 0.00014.
gnomAD v4.1: 82 of 1,613,622 alleles (0.0051%); highest among the groups gnomAD compares: Admixed American, 0.013%; no homozygotes.

Submissions (5):

Labcorp Genetics (formerly Invitae), Labcorp
Classification: Uncertain significance for Hereditary spastic paraplegia 53. Last evaluated: 2025-11-06. Review status: criteria provided, single submitter. Criteria: Invitae Variant Classification Sherloc (09022015). Collection method: clinical testing. Allele origin: germline.
Comment: This sequence change replaces alanine, which is neutral and non-polar, with valine, which is neutral and non-polar, at codon 386 of the VPS37A protein (p.Ala386Val). This variant is present in population databases (rs755402438, gnomAD 0.01%). This variant has not been reported in the literature in individuals affected with VPS37A-related conditions. ClinVar contains an entry for this variant (Variation ID: 1806028). Invitae Evidence Modeling of protein sequence and biophysical properties (such as structural, functional, and spatial information, amino acid conservation, physicochemical variation, residue mobility, and thermodynamic stability) indicates that this missense variant is not expected to disrupt VPS37A protein function with a negative predictive value of 80%. In summary, the available evidence is currently insufficient to determine the role of this variant in disease. Therefore, it has been classified as a Variant of Uncertain Significance.

Ambry Genetics
Classification: Likely benign. Last evaluated: 2023-11-22. Review status: criteria provided, single submitter. Criteria: Ambry Variant Classification Scheme 2023. Collection method: clinical testing. Allele origin: germline.

Victorian Clinical Genetics Services, Murdoch Childrens Research Institute
Classification: Uncertain significance for Hereditary spastic paraplegia 53. Last evaluated: 2020-10-19. Review status: criteria provided, single submitter. Criteria: ACMG Guidelines, 2015. Collection method: clinical testing. Allele origin: germline. Inheritance: Autosomal recessive inheritance.
Comment: Based on the classification scheme VCGS_Germline_v1.3.3, this variant is classified as a 3C-VUS. Following criteria are met: 0105 - The mechanism of disease for this gene is not clearly established. (I) 0106 - This gene is associated with autosomal recessive disease. However, there is currently limited evidence available for this association. (I) 0200 - Variant is predicted to result in a missense amino acid change from alanine to a valine. (I) 0251 - This variant is heterozygous. (I) 0304 - Variant is present in gnomAD <0.01 for a recessive condition (v3: 11 heterozygotes, 0 homozygotes). (SP) 0504 - Same amino acid change has been observed in placental mammals. (SB) 0600 - Variant is located in the annotated VPS37 C-terminal domain (PDB). (I) 0705 - No comparable missense variants have previous evidence for pathogenicity. (I) 0807 - This variant has no previous evidence of pathogenicity. (I) 0905 - No published segregation evidence has been identified for this variant. (I) 1007 - No published functional evidence has been identified for this variant. (I) 1208 - Inheritance information for this variant is not currently available in this individual. (I) Legend: (SP) - Supporting pathogenic, (I) - Information, (SB) - Supporting benign

Dr. Peter K. Rogan Lab, Western University
No classification provided (evidence only). Condition: Malignant tumor of urinary bladder. Review status: no classification provided. Collection method: in vitro. Allele origin: not applicable. Functional consequence: retained intron. Not counted in ClinVar's aggregate classification.

Dr. Peter K. Rogan Lab, Western University
No classification provided (evidence only). Condition: Colon adenocarcinoma. Review status: no classification provided. Collection method: in vitro. Allele origin: not applicable. Functional consequence: retained intron. Not counted in ClinVar's aggregate classification.